The following is an entry in ClinVar:

NM_001220.5(CAMK2B):c.199C>A (p.Leu67Ile)

Gene: CAMK2B (calcium/calmodulin dependent protein kinase II beta; minus strand). Cytogenetic location: 7p13.
Variant type: single nucleotide variant.
Coding change: c.199C>A on transcript NM_001220.5 (MANE Select); coding-DNA position 199, C replaced by A.
Protein change: p.Leu67Ile; replaces leucine 67 with isoleucine.
Molecular consequence: missense variant.
Genome position (GRCh38, 1-based): chr7:44,263,026, G>T on the plus strand (C>A on the coding strand, the complement: CAMK2B is on the minus strand). VCF-style: chr7-44263026-G-T. GRCh37 (hg19) VCF-style: chr7-44302625-G-T.
Other names: c.199C>A, p.Leu67Ile (NM_001293170.2, NM_172078.3, NM_172079.3 and 5 more transcripts); short protein forms L67I.
Identifiers: ClinVar variation 3774675 (VCV003774675.1).

ClinVar aggregate classification (germline): Uncertain significance (1 of 4 stars; one submission).

Submission:

GeneDx
Classification: Uncertain significance. Last evaluated: 2024-09-26. Review status: criteria provided, single submitter. Criteria: GeneDx Variant Classification Process June 2021. Collection method: clinical testing. Allele origin: germline. Affected: yes.
Comment: Not observed at significant frequency in large population cohorts (gnomAD); In silico analysis indicates that this missense variant does not alter protein structure/function; Has not been previously published as pathogenic or benign to our knowledge